The following is an entry in ClinVar:

NM_020987.5(ANK3):c.12856A>G (p.Lys4286Glu)

Gene: ANK3 (ankyrin 3; minus strand). Cytogenetic location: 10q21.2.
Variant type: single nucleotide variant.
Coding change: c.12856A>G on transcript NM_020987.5 (MANE Select); coding-DNA position 12856, A replaced by G.
Protein change: p.Lys4286Glu; replaces lysine 4286 with glutamic acid.
Molecular consequence: missense variant.
Genome position (GRCh38, 1-based): chr10:60,055,867, T>C on the plus strand (A>G on the coding strand, the complement: ANK3 is on the minus strand). VCF-style: chr10-60055867-T-C. GRCh37 (hg19) VCF-style: chr10-61815625-T-C.
Other names: c.2728A>G, p.Lys910Glu (NM_001149.4); c.5308A>G, p.Lys1770Glu (NM_001204403.2); c.5329A>G, p.Lys1777Glu (NM_001204404.2); c.5326A>G, p.Lys1776Glu (NM_001320874.2); short protein forms K1770E, K1776E, K1777E, K4286E, K910E.
Identifiers: ClinVar variation 4072711 (VCV004072711.1).

ClinVar aggregate classification (germline): Uncertain significance (1 of 4 stars; one submission).

Submission:

GeneDx
Classification: Uncertain significance. Last evaluated: 2025-01-31. Review status: criteria provided, single submitter. Criteria: GeneDx Variant Classification Process June 2021. Collection method: clinical testing. Allele origin: germline. Affected: yes.
Comment: Not observed at significant frequency in large population cohorts (gnomAD); In silico analysis supports that this missense variant has a deleterious effect on protein structure/function; Has not been previously published as pathogenic or benign to our knowledge